The following is an entry in ClinVar:

ClinVar aggregate classification (germline): Uncertain significance (1 of 4 stars; one submission).

Conditions:
Neurofibromatosis, type 1 (NF1). Also called: VON RECKLINGHAUSEN DISEASE; NEUROFIBROMATOSIS, TYPE I, SOMATIC; Peripheral type neurofibromatosis; Neurofibromatosis, type I. Identifiers: Orphanet 636, MedGen C0027831, MONDO:0018975, OMIM 162200. Disease mechanism: loss of function.

Submission:

Labcorp Genetics (formerly Invitae), Labcorp
Classification: Uncertain significance for Neurofibromatosis, type 1. Last evaluated: 2025-01-14. Review status: criteria provided, single submitter. Criteria: Invitae Variant Classification Sherloc (09022015). Collection method: clinical testing. Allele origin: germline.
Comment: This sequence change replaces tryptophan, which is neutral and slightly polar, with arginine, which is basic and polar, at codon 1641 of the NF1 protein (p.Trp1641Arg). This variant is not present in population databases (gnomAD no frequency). This variant has not been reported in the literature in individuals affected with NF1-related conditions. ClinVar contains an entry for this variant (Variation ID: 457732). Invitae Evidence Modeling of protein sequence and biophysical properties (such as structural, functional, and spatial information, amino acid conservation, physicochemical variation, residue mobility, and thermodynamic stability) indicates that this missense variant is expected to disrupt NF1 protein function with a positive predictive value of 95%. In summary, the available evidence is currently insufficient to determine the role of this variant in disease. Therefore, it has been classified as a Variant of Uncertain Significance.

NM_001042492.3(NF1):c.4984T>C (p.Trp1662Arg)

Gene: NF1 (neurofibromin 1; plus strand). Cytogenetic location: 17q11.2.
Variant type: single nucleotide variant.
Coding change: c.4984T>C on transcript NM_001042492.3 (MANE Select); coding-DNA position 4984, T replaced by C.
Protein change: p.Trp1662Arg; replaces tryptophan 1662 with arginine.
Molecular consequence: missense variant.
Genome position (GRCh38, 1-based): chr17:31,325,968, T>C. VCF-style: chr17-31325968-T-C. GRCh37 (hg19) VCF-style: chr17-29652986-T-C.
Other names: c.4921T>C, p.Trp1641Arg (NM_000267.4); short protein forms W1662R, W1641R.
Identifiers: ClinVar variation 457732 (VCV000457732.5), dbSNP rs1555533328, ClinGen allele CA399007252.
Genomic context (GRCh38, chr17:31,325,968, plus strand): 5'-GTAGTGGACCTTACCCATACCGGGCCTAGCAATCGCTTTAAAACAGACTTTCTCTCTAAG[T>C]GGTTTGTTGTTTTTCCTGGCTTTGCTTACGACAACGTCTCCGCAGTCTATATCTATAACT-3'
Protein context (NP_001035957.1, residues 1652-1672): NRFKTDFLSK[Trp1662Arg]FVVFPGFAYD